The following is an entry in ClinVar:

ClinVar aggregate classification (germline): Likely benign. Review status: criteria provided, multiple submitters, no conflicts (2 of 4 stars). 3 submissions from 3 submitters: Likely benign (2). 1 of the submissions does not count toward it. Last evaluated 2025-11-03.

Conditions:
CBL-related disorder. Also called: CBL MUTATION-ASSOCIATED SYNDROME; CBL SYNDROME; NOONAN SYNDROME-LIKE DISORDER WITHOUT JUVENILE MYELOMONOCYTIC LEUKEMIA. Identifiers: Orphanet 363972, MedGen C3150803, MONDO:0013308, OMIM 613563.
RASopathy. Also called: Noonan spectrum disorder; rasopathies. Identifiers: Orphanet 536391, MedGen C5555857, MONDO:0021060.
Cardiovascular phenotype. Identifiers: MedGen CN230736.

Allele frequency attached by ClinVar (database versions not stated): gnomAD exomes below 0.00001; gnomAD 0.00001; TOPMed 0.00001; ESP Exome Variant Server 0.00008.
gnomAD v4.1: 2 of 1,614,012 alleles (0.00012%); highest among the groups gnomAD compares: East Asian, 0.0022%; no homozygotes.

Submissions (3):

Labcorp Genetics (formerly Invitae), Labcorp
Classification: Likely benign for RASopathy. Last evaluated: 2025-11-03. Review status: criteria provided, single submitter. Criteria: Invitae Variant Classification Sherloc (09022015). Collection method: clinical testing. Allele origin: germline.

Ambry Genetics
Classification: Likely benign for Cardiovascular phenotype. Last evaluated: 2021-09-07. Review status: criteria provided, single submitter. Criteria: Ambry Variant Classification Scheme 2023. Collection method: clinical testing. Allele origin: germline.

PreventionGenetics, part of Exact Sciences
Classification: Likely benign for CBL-related condition. Last evaluated: 2020-08-17. Review status: no assertion criteria provided. Collection method: clinical testing. Allele origin: germline. Not counted in ClinVar's aggregate classification.
Comment: This variant is classified as likely benign based on ACMG/AMP sequence variant interpretation guidelines (Richards et al. 2015 PMID: 25741868, with internal and published modifications).

NM_005188.4(CBL):c.714T>G (p.Val238=)

Gene: CBL (Cbl proto-oncogene; plus strand). Cytogenetic location: 11q23.3.
Variant type: single nucleotide variant.
Coding change: c.714T>G on transcript NM_005188.4 (MANE Select); coding-DNA position 714, T replaced by G.
Protein change: p.Val238=; no amino-acid change (valine 238 retained).
Molecular consequence: synonymous variant.
Genome position (GRCh38, 1-based): chr11:119,273,991, T>G. VCF-style: chr11-119273991-T-G. GRCh37 (hg19) VCF-style: chr11-119144701-T-G.
Other names: c.714T>G (NM_005188.3).
Identifiers: ClinVar variation 1587901 (VCV001587901.12), dbSNP rs371523922, ClinGen allele CA229659793.